The following is an entry in ClinVar:

NM_177402.5(SYT2):c.687T>G (p.Phe229Leu)

Gene: SYT2 (synaptotagmin 2; minus strand). Cytogenetic location: 1q32.1.
Variant type: single nucleotide variant.
Coding change: c.687T>G on transcript NM_177402.5 (MANE Select); coding-DNA position 687, T replaced by G.
Protein change: p.Phe229Leu; replaces phenylalanine 229 with leucine.
Molecular consequence: missense variant.
Genome position (GRCh38, 1-based): chr1:202,602,004, A>C on the plus strand (T>G on the coding strand, the complement: SYT2 is on the minus strand). VCF-style: chr1-202602004-A-C. GRCh37 (hg19) VCF-style: chr1-202571132-A-C.
Other names: c.687T>G, p.Phe229Leu (NM_001136504.1); short protein forms F229L.
Identifiers: ClinVar variation 2085260 (VCV002085260.5), dbSNP rs1690520691, ClinGen allele CA344257497.

ClinVar aggregate classification (germline): Uncertain significance. Review status: criteria provided, multiple submitters, no conflicts (2 of 4 stars). 2 submissions from 2 submitters: Uncertain significance (2). Last evaluated 2025-05-25.

Conditions:
Inborn genetic diseases. Identifiers: MedGen C0950123, MeSH D030342.

Allele frequency attached by ClinVar (database versions not stated): TOPMed below 0.00001.
gnomAD v4.1: 4 of 1,614,178 alleles (0.00025%); highest among the groups gnomAD compares: Non-Finnish European, 0.00034%; no homozygotes.

Submissions (2):

Labcorp Genetics (formerly Invitae), Labcorp
Classification: Uncertain significance. Last evaluated: 2025-05-25. Review status: criteria provided, single submitter. Criteria: Invitae Variant Classification Sherloc (09022015). Collection method: clinical testing. Allele origin: germline.
Comment: This sequence change replaces phenylalanine, which is neutral and non-polar, with leucine, which is neutral and non-polar, at codon 229 of the SYT2 protein (p.Phe229Leu). This variant is not present in population databases (gnomAD no frequency). This variant has not been reported in the literature in individuals affected with SYT2-related conditions. ClinVar contains an entry for this variant (Variation ID: 2085260). Invitae Evidence Modeling of protein sequence and biophysical properties (such as structural, functional, and spatial information, amino acid conservation, physicochemical variation, residue mobility, and thermodynamic stability) indicates that this missense variant is expected to disrupt SYT2 protein function with a positive predictive value of 80%. In summary, the available evidence is currently insufficient to determine the role of this variant in disease. Therefore, it has been classified as a Variant of Uncertain Significance.

Ambry Genetics
Classification: Uncertain significance for Inborn genetic diseases. Last evaluated: 2024-05-23. Review status: criteria provided, single submitter. Criteria: Ambry Variant Classification Scheme 2023. Collection method: clinical testing. Allele origin: germline.